The following is an entry in ClinVar:

NM_001458.5(FLNC):c.2650G>T (p.Val884Phe)

Gene: FLNC (filamin C; plus strand). Cytogenetic location: 7q32.1.
Variant type: single nucleotide variant.
Coding change: c.2650G>T on transcript NM_001458.5 (MANE Select); coding-DNA position 2650, G replaced by T.
Protein change: p.Val884Phe; replaces valine 884 with phenylalanine.
Molecular consequence: missense variant.
Genome position (GRCh38, 1-based): chr7:128,843,416, G>T. VCF-style: chr7-128843416-G-T. GRCh37 (hg19) VCF-style: chr7-128483470-G-T.
Other names: c.2650G>T, p.Val884Phe (NM_001127487.2); short protein forms V884F.
Identifiers: ClinVar variation 539378 (VCV000539378.7), dbSNP rs770379589, ClinGen allele CA4474812.

ClinVar aggregate classification (germline): Uncertain significance (1 of 4 stars; one submission).

Conditions:
Distal myopathy with posterior leg and anterior hand involvement. Also called: WILLIAMS DISTAL MYOPATHY. Identifiers: Orphanet 63273, MedGen C3279722, MONDO:0013550, OMIM 614065.
Myofibrillar myopathy 5. Also called: Filaminopathy (type); FILAMINOPATHY, AUTOSOMAL DOMINANT. Identifiers: Orphanet 171445, MedGen C1836050, MONDO:0012289, OMIM 609524.
Hypertrophic cardiomyopathy 26. Also called: Cardiomyopathy, familial hypertrophic, 26. Identifiers: Orphanet 75249, MedGen C4310749, MONDO:0014883, OMIM 617047.

Allele frequency attached by ClinVar (database versions not stated): TOPMed below 0.00001; ExAC 0.00001; gnomAD 0.00001; gnomAD exomes 0.00001.
gnomAD v4.1: 25 of 1,613,884 alleles (0.0015%); highest among the groups gnomAD compares: Non-Finnish European, 0.0018%; no homozygotes.

Submission:

Labcorp Genetics (formerly Invitae), Labcorp
Classification: Uncertain significance for Distal myopathy with posterior leg and anterior hand involvement; Myofibrillar myopathy 5; Hypertrophic cardiomyopathy 26. Last evaluated: 2022-08-26. Review status: criteria provided, single submitter. Criteria: Invitae Variant Classification Sherloc (09022015). Collection method: clinical testing. Allele origin: germline.
Comment: ClinVar contains an entry for this variant (Variation ID: 539378). In summary, the available evidence is currently insufficient to determine the role of this variant in disease. Therefore, it has been classified as a Variant of Uncertain Significance. Algorithms developed to predict the effect of missense changes on protein structure and function are either unavailable or do not agree on the potential impact of this missense change (SIFT: "Deleterious"; PolyPhen-2: "Possibly Damaging"; Align-GVGD: "Class C0"). This variant has not been reported in the literature in individuals affected with FLNC-related conditions. This variant is present in population databases (rs770379589, gnomAD 0.002%). This sequence change replaces valine, which is neutral and non-polar, with phenylalanine, which is neutral and non-polar, at codon 884 of the FLNC protein (p.Val884Phe).